The following is an entry in ClinVar:

NM_024120.5(NDUFAF5):c.779-17C>A

Gene: NDUFAF5 (NADH:ubiquinone oxidoreductase complex assembly factor 5; plus strand). Cytogenetic location: 20p12.1.
Variant type: single nucleotide variant.
Coding change: c.779-17C>A on transcript NM_024120.5 (MANE Select); 17 bases into the intron before coding-DNA position 779, C replaced by A.
Molecular consequence: intron variant.
Genome position (GRCh38, 1-based): chr20:13,816,446, C>A. VCF-style: chr20-13816446-C-A. GRCh37 (hg19) VCF-style: chr20-13797092-C-A.
Other names: c.218-17C>A (NM_001352407.2, NM_001352406.2); c.695-17C>A (NM_001039375.3); c.308-17C>A (NM_001352403.2).
Identifiers: ClinVar variation 136598 (VCV000136598.9), dbSNP rs148511938, ClinGen allele CA289769.

ClinVar aggregate classification (germline): Benign. Review status: criteria provided, multiple submitters, no conflicts (2 of 4 stars). 3 submissions from 3 submitters: Benign (3). Last evaluated 2026-01-31.

Allele frequency attached by ClinVar (database versions not stated): gnomAD exomes 0.00175; ExAC 0.00225; gnomAD 0.00723 and 0.00773; TOPMed 0.00758; 1000 Genomes Project 0.00799; ESP Exome Variant Server 0.00800.
gnomAD v4.1: 2,091 of 1,590,644 alleles (0.13%); highest among the groups gnomAD compares: African/African-American, 2.4%; 29 homozygotes.

Submissions (3):

Labcorp Genetics (formerly Invitae), Labcorp
Classification: Benign. Last evaluated: 2026-01-31. Review status: criteria provided, single submitter. Criteria: Invitae Variant Classification Sherloc (09022015). Collection method: clinical testing. Allele origin: germline.

GeneDx
Classification: Benign. Last evaluated: 2013-10-29. Review status: criteria provided, single submitter. Criteria: GeneDx Variant Classification (06012015). Collection method: clinical testing. Allele origin: germline. Affected: yes.
Comment: This variant is considered likely benign or benign based on one or more of the following criteria: it is a conservative change, it occurs at a poorly conserved position in the protein, it is predicted to be benign by multiple in silico algorithms, and/or has population frequency not consistent with disease.

Breakthrough Genomics
Classification: Benign. Review status: criteria provided, single submitter. Criteria: ACMG Guidelines, 2015. Collection method: not provided. Allele origin: germline. Inheritance: Autosomal recessive inheritance. Affected: yes.